The following is an entry in ClinVar:

NM_005732.4(RAD50):c.3680T>A (p.Ile1227Asn)

Genes: TH2LCRR (T helper type 2 locus control region associated RNA; minus strand), RAD50 (RAD50 double strand break repair protein; plus strand), TH2-LCR (Th2 cytokine locus control region; plus strand). Cytogenetic location: 5q31.1.
Variant type: single nucleotide variant.
Coding change: c.3680T>A on transcript NM_005732.4 (MANE Select); coding-DNA position 3680, T replaced by A.
Protein change: p.Ile1227Asn; replaces isoleucine 1227 with asparagine.
Molecular consequence: missense variant.
Genome position (GRCh38, 1-based): chr5:132,640,733, T>A. VCF-style: chr5-132640733-T-A. GRCh37 (hg19) VCF-style: chr5-131976425-T-A.
Other names: short protein forms I1227N.
Identifiers: ClinVar variation 3429525 (VCV003429525.1).

ClinVar aggregate classification (germline): Uncertain significance (1 of 4 stars; one submission).

Conditions:
Hereditary cancer-predisposing syndrome. Also called: Neoplastic Syndromes, Hereditary; Tumor predisposition; Hereditary Cancer Syndrome; Hereditary neoplastic syndrome. Identifiers: Orphanet 140162, MedGen C0027672, MeSH D009386, MONDO:0015356.

Submission:

Ambry Genetics
Classification: Uncertain significance for Hereditary cancer-predisposing syndrome. Last evaluated: 2024-11-08. Review status: criteria provided, single submitter. Criteria: Ambry Variant Classification Scheme 2023. Collection method: clinical testing. Allele origin: germline.
Comment: The p.I1227N variant (also known as c.3680T>A), located in coding exon 24 of the RAD50 gene, results from a T to A substitution at nucleotide position 3680. The isoleucine at codon 1227 is replaced by asparagine, an amino acid with dissimilar properties. This amino acid position is conserved. In addition, this alteration is predicted to be deleterious by in silico analysis. Based on the available evidence, the clinical significance of this variant remains unclear.